The following is an entry in ClinVar:

ClinVar aggregate classification (germline): Likely benign. Review status: criteria provided, multiple submitters, no conflicts (2 of 4 stars). 7 submissions from 7 submitters: Likely benign (7). Last evaluated 2026-01-31.

Conditions:
Cardiovascular phenotype. Identifiers: MedGen CN230736.
Cardiac arrhythmia. Also called: Cardiac rhythm disease; Arrhythmia. Identifiers: MedGen C0003811, MONDO:0007263, HP:0011675.
Long QT syndrome (LQTS). Identifiers: MedGen C0023976, MeSH D008133, MONDO:0002442. Disease mechanism: loss of function. Inheritance: Various modes of inheritance.

Allele frequency attached by ClinVar (database versions not stated): gnomAD 0.00008 and 0.00010; TOPMed 0.00008; ExAC 0.00010; gnomAD exomes 0.00010 and 0.00013; ESP Exome Variant Server 0.00008.
gnomAD v4.1: 219 of 1,614,110 alleles (0.014%); highest among the groups gnomAD compares: Non-Finnish European, 0.016%; no homozygotes.

Submissions (7):

Labcorp Genetics (formerly Invitae), Labcorp
Classification: Likely benign for Long QT syndrome. Last evaluated: 2026-01-31. Review status: criteria provided, single submitter. Criteria: Invitae Variant Classification Sherloc (09022015). Collection method: clinical testing. Allele origin: germline.

Blueprint Genetics
Classification: Likely benign. Last evaluated: 2024-11-07. Review status: criteria provided, single submitter. Criteria: ACMG Guidelines, 2015. Collection method: clinical testing. Allele origin: germline.

ARUP Laboratories, Molecular Genetics and Genomics, ARUP Laboratories
Classification: Likely benign. Last evaluated: 2024-11-01. Review status: criteria provided, single submitter. Criteria: ARUP Molecular Germline Variant Investigation Process 2024. Collection method: clinical testing. Allele origin: germline.

All of Us Research Program, National Institutes of Health
Classification: Likely benign for Long QT syndrome. Last evaluated: 2024-02-05. Review status: criteria provided, single submitter. Criteria: ACMG Guidelines, 2015. Collection method: clinical testing. Allele origin: germline. Inheritance: Autosomal dominant inheritance. Observed: 27 variant alleles, 27 heterozygotes.
Comment: This study involves interpretation of variants in research participants for the purpose of population health screening. Participant phenotype was not available at the time of variant classification. Additional details can be found in publication PMID: 35346344, PMCID: PMC8962531

Ambry Genetics
Classification: Likely benign for Cardiovascular phenotype. Last evaluated: 2019-09-03. Review status: criteria provided, single submitter. Criteria: Ambry Variant Classification Scheme 2023. Collection method: clinical testing. Allele origin: germline.

Color Diagnostics, LLC DBA Color Health
Classification: Likely benign for Arrhythmia. Last evaluated: 2018-11-27. Review status: criteria provided, single submitter. Criteria: ACMG Guidelines, 2015. Collection method: clinical testing. Allele origin: germline.

GeneDx
Classification: Likely benign. Last evaluated: 2018-08-29. Review status: criteria provided, single submitter. Criteria: GeneDx Variant Classification Process June 2021. Collection method: clinical testing. Allele origin: germline. Affected: yes.
Comment: This variant is associated with the following publications: (PMID: 23890619)

NM_000238.4(KCNH2):c.1881C>T (p.Phe627=)

Gene: KCNH2 (potassium voltage-gated channel subfamily H member 2; minus strand). Cytogenetic location: 7q36.1.
Variant type: single nucleotide variant.
Coding change: c.1881C>T on transcript NM_000238.4 (MANE Select); coding-DNA position 1881, C replaced by T.
Protein change: p.Phe627=; no amino-acid change (phenylalanine 627 retained).
Molecular consequence: synonymous variant. On other transcripts: non-coding transcript variant (2).
Genome position (GRCh38, 1-based): chr7:150,951,512, G>A on the plus strand (C>T on the coding strand, the complement: KCNH2 is on the minus strand). VCF-style: chr7-150951512-G-A. GRCh37 (hg19) VCF-style: chr7-150648600-G-A.
Other names: c.1881C>T (NM_000238.2); c.861C>T, p.Phe287= (NM_001204798.2, NM_172057.3); c.1593C>T, p.Phe531= (NM_001406753.1, NM_001406756.1); c.1704C>T, p.Phe568= (NM_001406755.1); c.1581C>T, p.Phe527= (NM_001406757.1); c.1881C>T, p.Phe627= (NM_172056.3).
Identifiers: ClinVar variation 413330 (VCV000413330.24), dbSNP rs199473039, ClinGen allele CA029620.